The following is an entry in ClinVar:

ClinVar aggregate classification (germline): Pathogenic (1 of 4 stars; one submission).

Conditions:
Hereditary spastic paraplegia 39 (SPG39). Also called: SPASTIC PARAPLEGIA 39, AUTOSOMAL RECESSIVE; Spastic Paraplegia Type 39 (SPG39). Identifiers: Orphanet 139480, MedGen C2677586, MONDO:0012787, OMIM 612020.

Submission:

Labcorp Genetics (formerly Invitae), Labcorp
Classification: Pathogenic for Hereditary spastic paraplegia 39. Last evaluated: 2023-11-13. Review status: criteria provided, single submitter. Criteria: Invitae Variant Classification Sherloc (09022015). Collection method: clinical testing. Allele origin: germline.
Comment: This sequence change creates a premature translational stop signal (p.Gln535*) in the PNPLA6 gene. It is expected to result in an absent or disrupted protein product. Loss-of-function variants in PNPLA6 are known to be pathogenic (PMID: 24355708). This variant is not present in population databases (gnomAD no frequency). This variant has not been reported in the literature in individuals affected with PNPLA6-related conditions. For these reasons, this variant has been classified as Pathogenic.

Literature cited by the submitters: PubMed 24355708.

NM_001166114.2(PNPLA6):c.1720C>T (p.Gln574Ter)

Gene: PNPLA6 (patatin like domain 6, lysophospholipase; plus strand). Cytogenetic location: 19p13.2.
Variant type: single nucleotide variant.
Coding change: c.1720C>T on transcript NM_001166114.2 (MANE Select); coding-DNA position 1720, C replaced by T.
Protein change: p.Gln574Ter; replaces glutamine 574 with a stop codon.
Molecular consequence: nonsense.
Genome position (GRCh38, 1-based): chr19:7,550,018, C>T. VCF-style: chr19-7550018-C-T. GRCh37 (hg19) VCF-style: chr19-7614904-C-T.
Other names: c.1747C>T, p.Gln583Ter (NM_001166111.2); c.1525C>T, p.Gln509Ter (NM_001166112.2); c.1603C>T, p.Gln535Ter (NM_001166113.1, NM_006702.5); short protein forms Q535*, Q509*, Q583*, Q574*.
Identifiers: ClinVar variation 2825218 (VCV002825218.3), dbSNP rs2512532339, ClinGen allele CA403120009.